The following is an entry in ClinVar:

ClinVar aggregate classification (germline): Uncertain significance (1 of 4 stars; one submission).

Submission:

Labcorp Genetics (formerly Invitae), Labcorp
Classification: Uncertain significance. Last evaluated: 2024-08-13. Review status: criteria provided, single submitter. Criteria: Invitae Variant Classification Sherloc (09022015). Collection method: clinical testing. Allele origin: germline.
Comment: This sequence change replaces alanine, which is neutral and non-polar, with proline, which is neutral and non-polar, at codon 217 of the HNF1A protein (p.Ala217Pro). This variant is not present in population databases (gnomAD no frequency). This variant has not been reported in the literature in individuals affected with HNF1A-related conditions. Invitae Evidence Modeling of protein sequence and biophysical properties (such as structural, functional, and spatial information, amino acid conservation, physicochemical variation, residue mobility, and thermodynamic stability) indicates that this missense variant is not expected to disrupt HNF1A protein function with a negative predictive value of 80%. In summary, the available evidence is currently insufficient to determine the role of this variant in disease. Therefore, it has been classified as a Variant of Uncertain Significance.

NM_000545.8(HNF1A):c.649G>C (p.Ala217Pro)

Gene: HNF1A (HNF1 homeobox A; plus strand). Cytogenetic location: 12q24.31.
Variant type: single nucleotide variant.
Coding change: c.649G>C on transcript NM_000545.8 (MANE Select); coding-DNA position 649, G replaced by C.
Protein change: p.Ala217Pro; replaces alanine 217 with proline.
Molecular consequence: missense variant.
Genome position (GRCh38, 1-based): chr12:120,993,642, G>C. VCF-style: chr12-120993642-G-C. GRCh37 (hg19) VCF-style: chr12-121431445-G-C.
Other names: c.649G>C, p.Ala217Pro (NM_001306179.2, NM_001406915.1); short protein forms A217P.
Identifiers: ClinVar variation 3662251 (VCV003662251.2).
Genomic context (GRCh38, chr12:120,993,642, plus strand): 5'-AAGAAGGGGCGGAGGAACCGTTTCAAGTGGGGCCCAGCATCCCAGCAGATCCTGTTCCAG[G>C]CCTATGAGAGGCAGAAGAACCCTAGCAAGGAGGAGCGAGAGACGCTAGTGGAGGAGTGCA-3'
Protein context (NP_000536.6, residues 207-227): GPASQQILFQ[Ala217Pro]YERQKNPSKE